The following is an entry in ClinVar:

ClinVar aggregate classification (germline): Conflicting classifications of pathogenicity. Review status: criteria provided, conflicting classifications (1 of 4 stars). 6 submissions from 6 submitters: Uncertain significance (1); Likely benign (5). Last evaluated 2024-02-11.

Conditions:
Hereditary cancer-predisposing syndrome. Also called: Hereditary neoplastic syndrome; Tumor predisposition; Neoplastic Syndromes, Hereditary; Hereditary Cancer Syndrome. Identifiers: Orphanet 140162, MedGen C0027672, MeSH D009386, MONDO:0015356.
Hereditary breast ovarian cancer syndrome. Also called: Hereditary breast and ovarian cancer; Hereditary breast and/or ovarian cancer syndrome; BRCA1- and BRCA2-Associated Hereditary Breast and Ovarian Cancer; Hereditary breast and ovarian cancer syndrome (HBOC); Hereditary breast and ovarian cancer syndrome; Breast and ovarian cancer. Identifiers: Orphanet 145, MedGen C0677776, MeSH D061325, MONDO:0003582. Disease mechanism: loss of function.
Breast-ovarian cancer, familial, susceptibility to, 2 (BROVCA2). Also called: BRCA2 Hereditary Breast and Ovarian Cancer. Identifiers: Orphanet 145, MedGen C2675520, MONDO:0012933, OMIM 612555. Disease mechanism: loss of function.

Allele frequency attached by ClinVar (database versions not stated): gnomAD 0.00001.
gnomAD v4.1: 4 of 1,613,940 alleles (0.00025%); highest among the groups gnomAD compares: South Asian, 0.0011%; no homozygotes.

Submissions (6):

Labcorp Genetics (formerly Invitae), Labcorp
Classification: Likely benign for Hereditary breast ovarian cancer syndrome. Last evaluated: 2024-02-11. Review status: criteria provided, single submitter. Criteria: Invitae Variant Classification Sherloc (09022015). Collection method: clinical testing. Allele origin: germline.

All of Us Research Program, National Institutes of Health
Classification: Likely benign for Breast-ovarian cancer, familial, susceptibility to, 2. Last evaluated: 2023-11-02. Review status: criteria provided, single submitter. Criteria: ACMG Guidelines, 2015. Collection method: clinical testing. Allele origin: germline. Inheritance: Autosomal dominant inheritance. Observed: 2 variant alleles, 2 heterozygotes.
Comment: This study involves interpretation of variants in research participants for the purpose of population health screening. Participant phenotype was not available at the time of variant classification. Additional details can be found in publication PMID: 35346344, PMCID: PMC8962531

Women's Health and Genetics/Laboratory Corporation of America, LabCorp
Classification: Likely benign. Last evaluated: 2023-04-20. Review status: criteria provided, single submitter. Criteria: LabCorp Variant Classification Summary - May 2015. Collection method: clinical testing. Allele origin: germline.

Ambry Genetics
Classification: Likely benign for Hereditary cancer-predisposing syndrome. Last evaluated: 2021-04-22. Review status: criteria provided, single submitter. Criteria: Ambry Variant Classification Scheme 2023. Collection method: clinical testing. Allele origin: germline.

Quest Diagnostics Nichols Institute San Juan Capistrano
Classification: Uncertain significance. Last evaluated: 2021-03-17. Review status: criteria provided, single submitter. Criteria: Quest Diagnostics criteria. Collection method: clinical testing. Allele origin: unknown.

Color Diagnostics, LLC DBA Color Health
Classification: Likely benign for Hereditary cancer-predisposing syndrome. Last evaluated: 2019-08-13. Review status: criteria provided, single submitter. Criteria: ACMG Guidelines, 2015. Collection method: clinical testing. Allele origin: germline.

NM_000059.4(BRCA2):c.7767C>T (p.Pro2589=)

Gene: BRCA2 (BRCA2 DNA repair associated; plus strand). Cytogenetic location: 13q13.1.
Variant type: single nucleotide variant.
Coding change: c.7767C>T on transcript NM_000059.4 (MANE Select); coding-DNA position 7767, C replaced by T.
Protein change: p.Pro2589=; no amino-acid change (proline 2589 retained).
Molecular consequence: synonymous variant.
Genome position (GRCh38, 1-based): chr13:32,357,891, C>T. VCF-style: chr13-32357891-C-T. GRCh37 (hg19) VCF-style: chr13-32932028-C-T.
Identifiers: ClinVar variation 1112908 (VCV001112908.13), dbSNP rs2072711060, ClinGen allele CA483439268.